The following is an entry in ClinVar:

ClinVar aggregate classification (germline): Uncertain significance (1 of 4 stars; one submission).

gnomAD v4.1: 2 of 1,614,092 alleles (0.00012%); highest among the groups gnomAD compares: Non-Finnish European, 0.00017%; no homozygotes.

Submission:

GeneDx
Classification: Uncertain significance. Last evaluated: 2023-06-20. Review status: criteria provided, single submitter. Criteria: GeneDx Variant Classification Process June 2021. Collection method: clinical testing. Allele origin: germline. Affected: yes.
Comment: Not observed at significant frequency in large population cohorts (gnomAD); In silico analysis supports that this missense variant has a deleterious effect on protein structure/function; Has not been previously published as pathogenic or benign to our knowledge

NM_001626.6(AKT2):c.227G>A (p.Arg76His)

Gene: AKT2 (AKT serine/threonine kinase 2; minus strand). Cytogenetic location: 19q13.2.
Variant type: single nucleotide variant.
Coding change: c.227G>A on transcript NM_001626.6 (MANE Select); coding-DNA position 227, G replaced by A.
Protein change: p.Arg76His; replaces arginine 76 with histidine.
Molecular consequence: missense variant.
Genome position (GRCh38, 1-based): chr19:40,255,218, C>T on the plus strand (G>A on the coding strand, the complement: AKT2 is on the minus strand). VCF-style: chr19-40255218-C-T. GRCh37 (hg19) VCF-style: chr19-40761125-C-T.
Other names: c.41G>A, p.Arg14His (NM_001243027.3, NM_001243028.3); c.227G>A, p.Arg76His (NM_001330511.1); short protein forms R14H, R76H.
Identifiers: ClinVar variation 3360052 (VCV003360052.1).